The following is an entry in ClinVar:

ClinVar aggregate classification (germline): Uncertain significance (1 of 4 stars; one submission).

Conditions:
Familial melanoma. Also called: Hereditary melanoma; Hereditary cutaneous melanoma. Identifiers: Orphanet 618, MedGen C1512419, MONDO:0018961.

Submission:

Labcorp Genetics (formerly Invitae), Labcorp
Classification: Uncertain significance for Familial melanoma. Last evaluated: 2020-09-03. Review status: criteria provided, single submitter. Criteria: Invitae Variant Classification Sherloc (09022015). Collection method: clinical testing. Allele origin: germline.
Comment: This sequence change replaces glycine with aspartic acid at codon 13 of the CDK4 protein (p.Gly13Asp). The glycine residue is moderately conserved and there is a moderate physicochemical difference between glycine and aspartic acid. This variant is not present in population databases (ExAC no frequency). This variant has not been reported in the literature in individuals with CDK4-related conditions. Advanced modeling of protein sequence and biophysical properties (such as structural, functional, and spatial information, amino acid conservation, physicochemical variation, residue mobility, and thermodynamic stability) performed at Invitae indicates that this missense variant is expected to disrupt CDK4 protein function. In summary, the available evidence is currently insufficient to determine the role of this variant in disease. Therefore, it has been classified as a Variant of Uncertain Significance.

NM_000075.4(CDK4):c.38G>A (p.Gly13Asp)

Gene: CDK4 (cyclin dependent kinase 4; minus strand). Cytogenetic location: 12q14.1.
Variant type: single nucleotide variant.
Coding change: c.38G>A on transcript NM_000075.4 (MANE Select); coding-DNA position 38, G replaced by A.
Protein change: p.Gly13Asp; replaces glycine 13 with aspartic acid.
Molecular consequence: missense variant.
Genome position (GRCh38, 1-based): chr12:57,751,680, C>T on the plus strand (G>A on the coding strand, the complement: CDK4 is on the minus strand). VCF-style: chr12-57751680-C-T. GRCh37 (hg19) VCF-style: chr12-58145463-C-T.
Other names: short protein forms G13D.
Identifiers: ClinVar variation 1057985 (VCV001057985.9), dbSNP rs753152604, ClinGen allele CA385549135.